The following is an entry in ClinVar:

ClinVar aggregate classification (germline): Conflicting classifications of pathogenicity. Review status: criteria provided, conflicting classifications (1 of 4 stars). 2 submissions from 2 submitters: Uncertain significance (1); Likely benign (1). Last evaluated 2025-03-27.

Conditions:
Cardiovascular phenotype. Identifiers: MedGen CN230736.
Long QT syndrome (LQTS). Identifiers: MedGen C0023976, MeSH D008133, MONDO:0002442. Disease mechanism: loss of function. Inheritance: Various modes of inheritance.

Allele frequency attached by ClinVar (database versions not stated): gnomAD 0.00001; 1000 Genomes Project 30x 0.00016; 1000 Genomes Project 0.00020.
gnomAD v4.1: 11 of 1,614,122 alleles (0.00068%); highest among the groups gnomAD compares: East Asian, 0.025%; no homozygotes.

Submissions (2):

Ambry Genetics
Classification: Likely benign for Cardiovascular phenotype. Last evaluated: 2025-03-27. Review status: criteria provided, single submitter. Criteria: Ambry Variant Classification Scheme 2023. Collection method: clinical testing. Allele origin: germline.

Labcorp Genetics (formerly Invitae), Labcorp
Classification: Uncertain significance for Long QT syndrome. Last evaluated: 2019-08-31. Review status: criteria provided, single submitter. Criteria: Invitae Variant Classification Sherloc (09022015). Collection method: clinical testing. Allele origin: germline.
Comment: In summary, the available evidence is currently insufficient to determine the role of this variant in disease. Therefore, it has been classified as a Variant of Uncertain Significance. Algorithms developed to predict the effect of missense changes on protein structure and function (SIFT, PolyPhen-2, Align-GVGD) all suggest that this variant is likely to be tolerated, but these predictions have not been confirmed by published functional studies and their clinical significance is uncertain. This variant has not been reported in the literature in individuals with ANK2-related conditions. This variant is present in population databases (rs527462024, ExAC 0.01%). This sequence change replaces isoleucine with leucine at codon 1789 of the ANK2 protein (p.Ile1789Leu). The isoleucine residue is weakly conserved and there is a small physicochemical difference between isoleucine and leucine.

NM_001148.6(ANK2):c.5365A>C (p.Ile1789Leu)

Genes: ANK2 (ankyrin 2; plus strand), LOC126807136 (MED14-independent group 3 enhancer GRCh37_chr4:114274931-114276130; plus strand). Cytogenetic location: 4q26.
Variant type: single nucleotide variant.
Coding change: c.5365A>C on transcript NM_001148.6 (MANE Select); coding-DNA position 5365, A replaced by C.
Protein change: p.Ile1789Leu; replaces isoleucine 1789 with leucine.
Molecular consequence: missense variant. On other transcripts: intron variant (68).
Genome position (GRCh38, 1-based): chr4:113,353,983, A>C. VCF-style: chr4-113353983-A-C. GRCh37 (hg19) VCF-style: chr4-114275139-A-C.
Other names: c.5131A>C, p.Ile1711Leu (NM_001386142.1); c.1765A>C, p.Ile589Leu (NM_001386166.1); c.5506A>C, p.Ile1836Leu (NM_001386174.1); c.5482A>C, p.Ile1828Leu (NM_001386175.1); c.4411+3734A>C (NM_001386186.2, NM_001386148.2); c.4213+3734A>C (NM_001354269.3); c.4291+3734A>C (NM_001386187.2); c.4252+3734A>C (NM_001386147.1); and 35 more; short protein forms I1789L, I1711L, I1828L, I1836L, I589L.
Identifiers: ClinVar variation 934909 (VCV000934909.8), dbSNP rs527462024, ClinGen allele CA3051211.